The following is an entry in ClinVar:

NM_198253.3(TERT):c.2382+4T>A

Gene: TERT (telomerase reverse transcriptase; minus strand). Cytogenetic location: 5p15.33.
Variant type: single nucleotide variant.
Coding change: c.2382+4T>A on transcript NM_198253.3 (MANE Select); 4 bases into the intron after coding-DNA position 2382, T replaced by A.
Molecular consequence: intron variant.
Genome position (GRCh38, 1-based): chr5:1,272,181, A>T on the plus strand (T>A on the coding strand, the complement: TERT is on the minus strand). VCF-style: chr5-1272181-A-T. GRCh37 (hg19) VCF-style: chr5-1272296-A-T.
Other names: c.2382+4T>A (NM_001193376.3).
Identifiers: ClinVar variation 3757240 (VCV003757240.2).

ClinVar aggregate classification (germline): Uncertain significance (1 of 4 stars; one submission).

Conditions:
Dyskeratosis congenita, autosomal dominant 2. Identifiers: MedGen C3151443, MONDO:0013521, OMIM 613989.
Idiopathic Pulmonary Fibrosis. Also called: Idiopathic fibrosing alveolitis, chronic form; idiopathic fibrosing alveolitis. Identifiers: Orphanet 2032, MedGen C1800706, MeSH D054990, MONDO:0800504.

Submission:

Labcorp Genetics (formerly Invitae), Labcorp
Classification: Uncertain significance for Dyskeratosis congenita, autosomal dominant 2; Idiopathic Pulmonary Fibrosis. Last evaluated: 2024-07-15. Review status: criteria provided, single submitter. Criteria: Invitae Variant Classification Sherloc (09022015). Collection method: clinical testing. Allele origin: germline.
Comment: This sequence change falls in intron 7 of the TERT gene. It does not directly change the encoded amino acid sequence of the TERT protein. It affects a nucleotide within the consensus splice site. This variant is not present in population databases (gnomAD no frequency). This variant has not been reported in the literature in individuals affected with TERT-related conditions. Variants that disrupt the consensus splice site are a relatively common cause of aberrant splicing (PMID: 17576681, 9536098). Algorithms developed to predict the effect of sequence changes on RNA splicing suggest that this variant is not likely to affect RNA splicing. In summary, the available evidence is currently insufficient to determine the role of this variant in disease. Therefore, it has been classified as a Variant of Uncertain Significance.

Literature cited by the submitters: PubMed 17576681; PubMed 9536098.